The following is an entry in ClinVar:

ClinVar aggregate classification (germline): Pathogenic (1 of 4 stars; one submission).

Conditions:
Lynch syndrome 5 (LYNCH5). Also called: Colorectal cancer, hereditary nonpolyposis, type 5; Hereditary non-polyposis colorectal cancer, type 5. Identifiers: Orphanet 144, MedGen C1833477, MONDO:0013710, OMIM 614350. Disease mechanism: loss of function.

Submission:

Myriad Genetics, Inc.
Classification: Pathogenic for Lynch syndrome 5. Last evaluated: 2023-08-10. Review status: criteria provided, single submitter. Criteria: Myriad Autosomal Dominant, Autosomal Recessive and X-Linked Classification Criteria (2023). Collection method: clinical testing. Allele origin: unknown.
Comment: This variant is considered pathogenic. This variant creates a termination codon and is predicted to result in premature protein truncation.

NM_000179.3(MSH6):c.648_650delinsC (p.Thr216_Asp217insTer)

Gene: MSH6 (mutS homolog 6; plus strand). Cytogenetic location: 2p16.3.
Variant type: Indel.
Coding change: c.648_650delinsC on transcript NM_000179.3 (MANE Select); coding-DNA positions 648 to 650, AGA replaced by C.
Protein change: p.Thr216_Asp217insTer.
Molecular consequence: frameshift variant. On other transcripts: 5 prime UTR variant (9), non-coding transcript variant (4), intron variant (1).
Genome position (GRCh38, 1-based): chr2:47,798,631-47,798,633, AGA replaced by C. VCF-style: chr2-47798631-AGA-C. GRCh37 (hg19) VCF-style: chr2-48025770-AGA-C.
Other names: c.258_260delinsC, p.Thr86_Asp87insTer (NM_001281492.2); c.-259_-257delinsC (NM_001281493.2, NM_001281494.2, NM_001406811.1 and 6 more transcripts); c.744_746delinsC, p.Thr248_Asp249insTer (NM_001406795.1, NM_001406802.1); c.648_650delinsC, p.Thr216_Asp217insTer (NM_001406796.1, NM_001406798.1, NM_001406800.1 and 4 more transcripts); c.351_353delinsC, p.Thr117_Asp118insTer (NM_001406797.1, NM_001406801.1, NM_001406805.1 and 10 more transcripts); c.123_125delinsC, p.Thr41_Asp42insTer (NM_001406799.1, NM_001406806.1, NM_001406807.1); c.570_572delinsC, p.Thr190_Asp191insTer (NM_001406804.1); c.654_656delinsC, p.Thr218_Asp219insTer (NM_001406813.1); and 2 more.
Identifiers: ClinVar variation 2673659 (VCV002673659.1), dbSNP rs2530563560, ClinGen allele CA2695200235.